The following is an entry in ClinVar:

NM_000057.4(BLM):c.2518G>A (p.Asp840Asn)

Gene: BLM (BLM RecQ like helicase; plus strand). Cytogenetic location: 15q26.1.
Variant type: single nucleotide variant.
Coding change: c.2518G>A on transcript NM_000057.4 (MANE Select); coding-DNA position 2518, G replaced by A.
Protein change: p.Asp840Asn; replaces aspartic acid 840 with asparagine.
Molecular consequence: missense variant.
Genome position (GRCh38, 1-based): chr15:90,769,549, G>A. VCF-style: chr15-90769549-G-A. GRCh37 (hg19) VCF-style: chr15-91312779-G-A.
Other names: c.2518G>A, p.Asp840Asn (NM_001287246.2, NM_001287247.2); c.1393G>A, p.Asp465Asn (NM_001287248.2); short protein forms D465N, D840N.
Identifiers: ClinVar variation 821426 (VCV000821426.16), dbSNP rs1238410843, ClinGen allele CA393845489.

ClinVar aggregate classification (germline): Uncertain significance. Review status: criteria provided, multiple submitters, no conflicts (2 of 4 stars). 3 submissions from 3 submitters: Uncertain significance (2). 1 of the submissions does not count toward it. Last evaluated 2025-09-24.

Conditions:
Hereditary cancer-predisposing syndrome. Also called: Neoplastic Syndromes, Hereditary; Tumor predisposition; Hereditary Cancer Syndrome; Hereditary neoplastic syndrome. Identifiers: Orphanet 140162, MedGen C0027672, MeSH D009386, MONDO:0015356.
Bloom syndrome (BLM). Also called: Bloom-Torre-Machacek syndrome. Identifiers: Orphanet 125, MedGen C0005859, MONDO:0008876, OMIM 210900.

Allele frequency attached by ClinVar (database versions not stated): gnomAD exomes below 0.00001 and 0.00001; TOPMed 0.00001.
gnomAD v4.1: 5 of 1,613,958 alleles (0.00031%); highest among the groups gnomAD compares: African/African-American, 0.0053%; no homozygotes.

Submissions (3):

Labcorp Genetics (formerly Invitae), Labcorp
Classification: Uncertain significance for Bloom syndrome. Last evaluated: 2025-09-24. Review status: criteria provided, single submitter. Criteria: Invitae Variant Classification Sherloc (09022015). Collection method: clinical testing. Allele origin: germline.
Comment: This sequence change replaces aspartic acid, which is acidic and polar, with asparagine, which is neutral and polar, at codon 840 of the BLM protein (p.Asp840Asn). The frequency data for this variant in the population databases is considered unreliable, as metrics indicate poor data quality at this position in the gnomAD database. This variant has not been reported in the literature in individuals affected with BLM-related conditions. ClinVar contains an entry for this variant (Variation ID: 821426). Invitae Evidence Modeling of protein sequence and biophysical properties (such as structural, functional, and spatial information, amino acid conservation, physicochemical variation, residue mobility, and thermodynamic stability) indicates that this missense variant is expected to disrupt BLM protein function with a positive predictive value of 80%. In summary, the available evidence is currently insufficient to determine the role of this variant in disease. Therefore, it has been classified as a Variant of Uncertain Significance.

Ambry Genetics
Classification: Uncertain significance for Hereditary cancer-predisposing syndrome. Last evaluated: 2025-08-27. Review status: criteria provided, single submitter. Criteria: Ambry Variant Classification Scheme 2023. Collection method: clinical testing. Allele origin: germline.

Natera, Inc.
Classification: Uncertain significance for Bloom syndrome. Last evaluated: 2018-11-16. Review status: no assertion criteria provided. Collection method: clinical testing. Allele origin: germline. Not counted in ClinVar's aggregate classification.